The following is an entry in ClinVar:

ClinVar aggregate classification (germline): Likely pathogenic (0 of 4 stars; one submission).

Conditions:
NSD1-related disorder. Also called: NSD1-related condition.

Submission:

PreventionGenetics, part of Exact Sciences
Classification: Likely pathogenic for NSD1-related condition. Last evaluated: 2024-08-15. Review status: no assertion criteria provided. Collection method: clinical testing. Allele origin: germline.
Comment: The NSD1 c.3584dupC variant is predicted to result in a frameshift and premature protein termination (p.Val1196Cysfs*7). To our knowledge, this variant has not been reported in the literature or in a large population database, indicating this variant is rare. Frameshift variants in NSD1 are expected to be pathogenic. This variant is interpreted as likely pathogenic.

NM_022455.5(NSD1):c.3584dup (p.Val1196fs)

Gene: NSD1 (nuclear receptor binding SET domain protein 1; plus strand). Cytogenetic location: 5q35.3.
Variant type: Duplication.
Coding change: c.3584dup on transcript NM_022455.5 (MANE Select); coding-DNA position 3584, one base duplicated (C; older notation c.3584dupC).
Protein change: p.Val1196fs; shifts the reading frame from valine 1196.
Molecular consequence: frameshift variant.
Genome position (GRCh38, 1-based): chr5:177,211,983, C duplicated; the last of 3 consecutive C bases (chr5:177,211,981-177,211,983); duplicating any one gives the same sequence. VCF-style (leftmost placement, unchanged base first): chr5-177211980-A-AC. GRCh37 (hg19) VCF-style: chr5-176638981-A-AC.
Other names: c.2711dup, p.Val905fs (NM_001365684.2, NM_001409306.1, NM_001409307.1 and 3 more transcripts); c.3584dup, p.Val1196fs (NM_001409301.1, NM_001409302.1, NM_001409303.1); c.3164dup, p.Val1056fs (NM_001409304.1); c.2831dup, p.Val945fs (NM_001409305.1); c.3584dupC (NM_022455.4); short protein forms V1056fs, V1196fs, V905fs, V945fs.
Identifiers: ClinVar variation 3347666 (VCV003347666.1).
Genomic context (GRCh38, chr5:177,211,980, plus strand): 5'-TGAACAGATTTAAAGAGAAAGAAAACTCTGAGTGTGCCTTTAGGGTCTTACTTCCTAGTG[A>AC]CCCTGTGCAGGAGGGGCGGGATGAGTTTCCAGAGCATAGAACTCCTTCAGCAAGCATACT-3'